The following is an entry in ClinVar:

ClinVar aggregate classification (germline): Likely pathogenic. Review status: criteria provided, multiple submitters, no conflicts (2 of 4 stars). 2 submissions from 2 submitters: Likely pathogenic (2). Last evaluated 2026-01-14.

Conditions:
Cardiovascular phenotype. Identifiers: MedGen CN230736.
Dilated cardiomyopathy 1G (CMD1G). Identifiers: Orphanet 154, MedGen C1858763, MONDO:0011400, OMIM 604145.
Autosomal recessive limb-girdle muscular dystrophy type 2J (LGMDR10). Also called: Limb-girdle muscular dystrophy, type 2J; MUSCULAR DYSTROPHY, LIMB-GIRDLE, AUTOSOMAL RECESSIVE 10. Identifiers: Orphanet 140922, MedGen C1837342, MONDO:0012127, OMIM 608807.

Submissions (2):

Labcorp Genetics (formerly Invitae), Labcorp
Classification: Likely pathogenic for Dilated cardiomyopathy 1G; Autosomal recessive limb-girdle muscular dystrophy type 2J. Last evaluated: 2026-01-14. Review status: criteria provided, single submitter. Criteria: Invitae Variant Classification Sherloc (09022015). Collection method: clinical testing. Allele origin: germline.
Comment: This sequence change creates a premature translational stop signal (p.Arg29080Glufs*10) in the TTN gene. While this is not anticipated to result in nonsense mediated decay, it is expected to create a truncated TTN protein. This variant is present in population databases (rs757007819, gnomAD 0.0009%). This variant has not been reported in the literature in individuals affected with TTN-related conditions. ClinVar contains an entry for this variant (Variation ID: 2950830). This variant is located in the A band of TTN (PMID: 25589632). Truncating variants in this region are significantly overrepresented in patients affected with dilated cardiomyopathy (PMID: 25589632). Truncating variants in this region have also been reported in individuals affected with autosomal recessive centronuclear myopathy (PMID: 23975875). In summary, the currently available evidence indicates that the variant is pathogenic, but additional data are needed to prove that conclusively. Therefore, this variant has been classified as Likely Pathogenic.

Ambry Genetics
Classification: Likely pathogenic for Cardiovascular phenotype. Last evaluated: 2024-05-02. Review status: criteria provided, single submitter. Criteria: Ambry Variant Classification Scheme 2023. Collection method: clinical testing. Allele origin: germline.
Comment: The c.60043delA variant, located in coding exon 155 of the TTN gene, results from a deletion of one nucleotide at nucleotide position 60043, causing a translational frameshift with a predicted alternate stop codon (p.R20015Efs*10). This exon is located in the A-band region of the N2-B isoform of the titin protein and is constitutively expressed in TTN transcripts (percent spliced in or PSI 100%). This variant is considered to be rare based on population cohorts in the Genome Aggregation Database (gnomAD). This alteration is expected to result in loss of function by premature protein truncation or nonsense-mediated mRNA decay. While truncating variants in TTN are present in 1-3% of the general population, truncating variants in the A-band are the most common cause of dilated cardiomyopathy (DCM) (Herman DS et al. N. Engl. J. Med., 2012 Feb;366:619-28; Roberts AM et al. Sci Transl Med, 2015 Jan;7:270ra6). TTN truncating variants encoded in constitutive exons (PSI >90%) have been found to be significantly associated with DCM regardless of their position in titin (Schafer S et al. Nat. Genet., 2017 01;49:46-53). Based on the majority of available evidence to date, this variant is likely to be pathogenic.

Literature cited by the submitters: PubMed 25589632 (cited by Labcorp Genetics (formerly Invitae), Labcorp); PubMed 23975875 (cited by Labcorp Genetics (formerly Invitae), Labcorp).

NM_001267550.2(TTN):c.87238del (p.Arg29080fs)

Genes: TTN (titin; minus strand), TTN-AS1 (TTN antisense RNA 1; plus strand). Cytogenetic location: 2q31.2.
Variant type: Deletion.
Coding change: c.87238del on transcript NM_001267550.2 (MANE Select); coding-DNA position 87238, one base deleted (A; older notation c.87238delA).
Protein change: p.Arg29080fs; shifts the reading frame from arginine 29080.
Molecular consequence: frameshift variant.
Genome position (GRCh38, 1-based): chr2:178,558,116, T deleted on the plus strand (A on the coding strand, the reverse complement: TTN is on the minus strand); the first of 2 consecutive T bases (chr2:178,558,116-178,558,117); deleting either gives the same sequence. VCF-style (leftmost placement, unchanged base first): chr2-178558115-CT-C. GRCh37 (hg19) VCF-style: chr2-179422842-CT-C.
Other names: c.60043delA (NM_003319.4); c.82315del, p.Arg27439fs (NM_001256850.1); c.60043del, p.Arg20015fs (NM_003319.4); c.79534del, p.Arg26512fs (NM_133378.4); c.60418del, p.Arg20140fs (NM_133432.3); c.60619del, p.Arg20207fs (NM_133437.4); short protein forms R20015fs, R20207fs, R29080fs, R20140fs, R26512fs, R27439fs.
Identifiers: ClinVar variation 2950830 (VCV002950830.4), dbSNP rs757007819, ClinGen allele CA1988345.